The following is an entry in ClinVar:

NM_001164508.2(NEB):c.20721T>A (p.His6907Gln)

Gene: NEB (nebulin; minus strand). Cytogenetic location: 2q23.3.
Variant type: single nucleotide variant.
Coding change: c.20721T>A on transcript NM_001164508.2 (MANE Select); coding-DNA position 20721, T replaced by A.
Protein change: p.His6907Gln; replaces histidine 6907 with glutamine.
Molecular consequence: missense variant.
Genome position (GRCh38, 1-based): chr2:151,540,763, A>T on the plus strand (T>A on the coding strand, the complement: NEB is on the minus strand). VCF-style: chr2-151540763-A-T. GRCh37 (hg19) VCF-style: chr2-152397277-A-T.
Other names: c.20721T>A, p.His6907Gln (NM_001164507.2, NM_001271208.2); c.15618T>A, p.His5206Gln (NM_004543.5); short protein forms H6907Q, H5206Q.
Identifiers: ClinVar variation 971704 (VCV000971704.9), dbSNP rs2093933909, ClinGen allele CA348777713.

ClinVar aggregate classification (germline): Uncertain significance (1 of 4 stars; one submission).

Conditions:
Nemaline myopathy 2 (NEM2). Also called: Nemaline myopathy 2, autosomal recessive. Identifiers: MedGen C1850569, MONDO:0009725, OMIM 256030.

Submission:

Labcorp Genetics (formerly Invitae), Labcorp
Classification: Uncertain significance for Nemaline myopathy 2. Last evaluated: 2019-10-08. Review status: criteria provided, single submitter. Criteria: Invitae Variant Classification Sherloc (09022015). Collection method: clinical testing. Allele origin: germline.
Comment: This sequence change replaces histidine with glutamine at codon 6907 of the NEB protein (p.His6907Gln). The histidine residue is moderately conserved and there is a small physicochemical difference between histidine and glutamine. This variant is not present in population databases (ExAC no frequency). This variant has not been reported in the literature in individuals with NEB-related conditions. Algorithms developed to predict the effect of missense changes on protein structure and function are either unavailable or do not agree on the potential impact of this missense change (SIFT: "Deleterious"; PolyPhen-2: "Not Available"; Align-GVGD: "Class C0"). In summary, the available evidence is currently insufficient to determine the role of this variant in disease. Therefore, it has been classified as a Variant of Uncertain Significance.